The following is an entry in ClinVar:

NM_001384900.1(SEMA3D):c.727T>C (p.Phe243Leu)

Gene: SEMA3D (semaphorin 3D; minus strand). Cytogenetic location: 7q21.11.
Variant type: single nucleotide variant.
Coding change: c.727T>C on transcript NM_001384900.1 (MANE Select); coding-DNA position 727, T replaced by C.
Protein change: p.Phe243Leu; replaces phenylalanine 243 with leucine.
Molecular consequence: missense variant.
Genome position (GRCh38, 1-based): chr7:85,055,851, A>G on the plus strand (T>C on the coding strand, the complement: SEMA3D is on the minus strand). VCF-style: chr7-85055851-A-G. GRCh37 (hg19) VCF-style: chr7-84685167-A-G.
Other names: c.727T>C, p.Phe243Leu (NM_001384901.1, NM_001384902.1, NM_001384903.1 and 1 more transcripts); short protein forms F243L.
Identifiers: ClinVar variation 4998497 (VCV004998497.1).

ClinVar aggregate classification (germline): Uncertain significance (1 of 4 stars; one submission).

Conditions:
SEMA3D-related disorder. Also called: SEMA3D-related condition.

Submission:

PreventionGenetics, part of Exact Sciences
Classification: Uncertain significance for SEMA3D-related condition. Last evaluated: 2026-03-04. Review status: criteria provided, single submitter. Criteria: ACMG Guidelines, 2015. Collection method: clinical testing. Allele origin: germline.
Comment: The SEMA3D c.727T>C variant is predicted to result in the amino acid substitution p.Phe243Leu. To our knowledge, this variant has not been reported in the literature or in a large population database (gnomAD), indicating this variant is rare. At this time, the clinical significance of this variant is uncertain due to the absence of conclusive functional and genetic evidence.